The following is an entry in ClinVar:

NM_006186.4(NR4A2):c.854G>C (p.Gly285Ala)

Gene: NR4A2 (nuclear receptor subfamily 4 group A member 2; minus strand). Cytogenetic location: 2q24.1.
Variant type: single nucleotide variant.
Coding change: c.854G>C on transcript NM_006186.4 (MANE Select); coding-DNA position 854, G replaced by C.
Protein change: p.Gly285Ala; replaces glycine 285 with alanine.
Molecular consequence: missense variant.
Genome position (GRCh38, 1-based): chr2:156,329,333, C>G on the plus strand (G>C on the coding strand, the complement: NR4A2 is on the minus strand). VCF-style: chr2-156329333-C-G. GRCh37 (hg19) VCF-style: chr2-157185845-C-G.
Other names: c.665G>C, p.Gly222Ala (NM_173173.3); short protein forms G222A, G285A.
Identifiers: ClinVar variation 3407694 (VCV003407694.2).
Genomic context (GRCh38, chr2:156,329,333, plus strand): 5'-CGGGCACTAGGGGCTCCCTACCTGCCTACTCCGCTCCCGCCATTGCTCACCTTAAAGAAG[C>G]CTTTGCAGCCCTCACAGGTGCGCACGCCGTAGTGTTGGCAGGCCGCGTTGTCCCCACACA-3'
Protein context (NP_006177.1, residues 275-295): YGVRTCEGCK[Gly285Ala]FFKRTVQKNA

ClinVar aggregate classification (germline): Uncertain significance (1 of 4 stars; one submission).

Conditions:
Inborn genetic diseases. Identifiers: MedGen C0950123, MeSH D030342.

Submission:

Ambry Genetics
Classification: Uncertain significance for Inborn genetic diseases. Last evaluated: 2025-05-07. Review status: criteria provided, single submitter. Criteria: Ambry Variant Classification Scheme 2023. Collection method: clinical testing. Allele origin: germline.
Comment: The c.854G>C (p.G285A) alteration is located in exon 3 (coding exon 1) of the NR4A2 gene. This alteration results from a G to C substitution at nucleotide position 854, causing the glycine (G) at amino acid position 285 to be replaced by an alanine (A). This variant was not reported in population-based cohorts in the Genome Aggregation Database (gnomAD). This amino acid position is highly conserved in available vertebrate species. This missense alteration is located in a region that has a low rate of benign missense variation (Lek, 2016; Firth, 2009). This alteration is predicted to be deleterious by in silico analysis. Based on insufficient or conflicting evidence, the clinical significance of this alteration remains unclear.